The following is an entry in ClinVar:

NM_020937.4(FANCM):c.4860A>G (p.Glu1620=)

Gene: FANCM (FA complementation group M; plus strand). Cytogenetic location: 14q21.2.
Variant type: single nucleotide variant.
Coding change: c.4860A>G on transcript NM_020937.4 (MANE Select); coding-DNA position 4860, A replaced by G.
Protein change: p.Glu1620=; no amino-acid change (glutamic acid 1620 retained).
Molecular consequence: synonymous variant.
Genome position (GRCh38, 1-based): chr14:45,188,882, A>G. VCF-style: chr14-45188882-A-G. GRCh37 (hg19) VCF-style: chr14-45658085-A-G.
Other names: c.4782A>G, p.Glu1594= (NM_001308133.2); c.4860A>G (NM_020937.3).
Identifiers: ClinVar variation 700102 (VCV000700102.11), dbSNP rs776303176, ClinGen allele CA259635703.
Genomic context (GRCh38, chr14:45,188,882, plus strand): 5'-CTATTTAGAGGATAGTTTTTGTGTTGATGAAGAGGAGTCTTGCAAAGGCCAATCAAGTGA[A>G]GAAGAAGTTTGTGTTGATTTTAACTTAATAACTGATGATTGCTTTGCAAATAGTAAAAAG-3'
Protein context (NP_065988.1, residues 1610-1630): EEESCKGQSS[Glu1620=]EEVCVDFNLI

ClinVar aggregate classification (germline): Conflicting classifications of pathogenicity. Review status: criteria provided, conflicting classifications (1 of 4 stars). 2 submissions from 2 submitters: Uncertain significance (1); Likely benign (1). Last evaluated 2025-05-26.

Conditions:
Fanconi anemia (FA). Also called: Fanconi's anemia. Identifiers: Orphanet 84, MedGen C0015625, MeSH D005199, MONDO:0019391.

Allele frequency attached by ClinVar (database versions not stated): TOPMed 0.00001; gnomAD 0.00001; gnomAD exomes 0.00001.

Submissions (2):

Quest Diagnostics Nichols Institute San Juan Capistrano
Classification: Uncertain significance. Last evaluated: 2025-05-26. Review status: criteria provided, single submitter. Criteria: Quest Diagnostics criteria. Collection method: clinical testing. Allele origin: unknown.
Comment: The FANCM c.4860A>G (p.Glu1620=) synonymous variant has not been reported in individuals with FANCM-related conditions in the published literature. The frequency of this variant in the general population (Genome Aggregation Database) is uninformative in the assessment of its pathogenicity. Analysis of this variant using software algorithms for the prediction of the effect of nucleotide changes on FANCM mRNA splicing yielded predictions that this variant may result in the gain of a cryptic splice site without affecting the natural splice sites. Based on the available information, we are unable to determine the clinical significance of this variant.

Labcorp Genetics (formerly Invitae), Labcorp
Classification: Likely benign for Fanconi anemia. Last evaluated: 2024-12-05. Review status: criteria provided, single submitter. Criteria: Invitae Variant Classification Sherloc (09022015). Collection method: clinical testing. Allele origin: germline.